The following is an entry in ClinVar:

NM_000418.4(IL4R):c.1774G>T (p.Val592Leu)

Gene: IL4R (interleukin 4 receptor; plus strand). Cytogenetic location: 16p12.1.
Variant type: single nucleotide variant.
Coding change: c.1774G>T on transcript NM_000418.4 (MANE Select); coding-DNA position 1774, G replaced by T.
Protein change: p.Val592Leu; replaces valine 592 with leucine.
Molecular consequence: missense variant.
Genome position (GRCh38, 1-based): chr16:27,363,126, G>T. VCF-style: chr16-27363126-G-T. GRCh37 (hg19) VCF-style: chr16-27374447-G-T.
Other names: c.1774G>T, p.Val592Leu (NM_001257406.2); c.1729G>T, p.Val577Leu (NM_001257407.2); c.1294G>T, p.Val432Leu (NM_001257997.2); short protein forms V432L, V577L, V592L.
Identifiers: ClinVar variation 827982 (VCV000827982.5), dbSNP rs138392496, ClinGen allele CA7974633.
Genomic context (GRCh38, chr16:27,363,126, plus strand): 5'-ACCAGTGGCTATCAGGAGTTTGTACATGCGGTGGAGCAGGGTGGCACCCAGGCCAGTGCG[G>T]TGGTGGGCTTGGGTCCCCCAGGAGAGGCTGGTTACAAGGCCTTCTCAAGCCTGCTTGCCA-3'
Protein context (NP_000409.1, residues 582-602): VEQGGTQASA[Val592Leu]VGLGPPGEAG

ClinVar aggregate classification (germline): Uncertain significance. Review status: criteria provided, multiple submitters, no conflicts (2 of 4 stars). 3 submissions from 3 submitters: Uncertain significance (2). 1 of the submissions does not count toward it.

Conditions:
Susceptibility to HIV infection. Also called: HIV-1, SUSCEPTIBILITY TO; HUMAN IMMUNODEFICIENCY VIRUS TYPE 1, RESISTANCE TO; Human immunodeficiency virus type 1, susceptibility to. Identifiers: MedGen C1836230, MONDO:0004951, OMIM 609423.
IgE responsiveness, atopic. Also called: IMMUNOGLOBULIN E, BASIC LEVEL OF, IN SERUM. Identifiers: MedGen C1840253, MONDO:0007817, OMIM 147050.

Allele frequency attached by ClinVar (database versions not stated): gnomAD 0.00156; ESP Exome Variant Server 0.00192; 1000 Genomes Project 30x 0.00203; TOPMed 0.00206; 1000 Genomes Project 0.00220.
gnomAD v4.1: 530 of 1,614,016 alleles (0.033%); highest among the groups gnomAD compares: African/African-American, 0.64%; no homozygotes.

Submissions (3):

Breakthrough Genomics
Classification: Uncertain significance. Review status: criteria provided, single submitter. Criteria: ACMG Guidelines, 2015. Collection method: not provided. Allele origin: germline. Inheritance: Autosomal dominant inheritance. Affected: yes.

Center for Genomics, Ann and Robert H. Lurie Children's Hospital of Chicago
Classification: Uncertain significance for Susceptibility to HIV infection; IgE responsiveness, atopic. Review status: criteria provided, single submitter. Criteria: ACMG Guidelines, 2015. Collection method: clinical testing. Allele origin: germline.
Comment: IL4R NM_000418.3 exon 11 p.Val592Leu (c.1774G>T): This variant has not been reported in the literature and is present in 0.6% (150/24724) of African alleles in the Genome Aggregation Database. This variant amino acid Leucine (Leu) is present in several species including multiple mammals, and it is not well conserved among evolutionarily distant species; this suggests that this variant may not impact the protein. Additional computational prediction tools do not suggest an impact. In summary, data on this variant is insufficient for disease classification. Therefore, the clinical significance of this variant is uncertain.

Department of Pathology and Laboratory Medicine, Sinai Health System
Classification: Uncertain significance. Review status: no assertion criteria provided. Collection method: clinical testing. Allele origin: unknown. Affected: yes. Study: The Canadian Open Genetics Repository (COGR). Not counted in ClinVar's aggregate classification.
Comment: The IL4R p.Val592Leu variant was not identified in the literature nor was it identified in ClinVar, Cosmic or LOVD 3.0. The variant was identified in dbSNP (ID: rs138392496) and in control databases in 164 of 281398 chromosomes at a frequency of 0.000583 increasing the likelihood this could be a low frequency benign variant (Genome Aggregation Database Feb 27, 2017). The variant was observed in the following populations: African in 150 of 24724 chromosomes (freq: 0.006067), Latino in 11 of 35378 chromosomes (freq: 0.000311) and European (non-Finnish) in 3 of 128206 chromosomes (freq: 0.000023); it was not observed in the Ashkenazi Jewish, East Asian, European (Finnish), Other or South Asian populations. The p.Val592 residue is not conserved in mammals and computational analyses (PolyPhen-2, SIFT, AlignGVGD, BLOSUM, MutationTaster) do not suggest a high likelihood of impact to the protein; however, this information is not predictive enough to rule out pathogenicity. The variant occurs outside of the splicing consensus sequence and in silico or computational prediction software programs (SpliceSiteFinder, MaxEntScan, NNSPLICE, GeneSplicer) do not predict a difference in splicing. In summary, based on the above information the clinical significance of this variant cannot be determined with certainty at this time. This variant is classified as a variant of uncertain significance.